The following is an entry in ClinVar:

NM_003896.4(ST3GAL5):c.82+7537del

Gene: ST3GAL5 (ST3 beta-galactoside alpha-2,3-sialyltransferase 5; minus strand). Cytogenetic location: 2p11.2.
Variant type: Deletion.
Coding change: c.82+7537del on transcript NM_003896.4 (MANE Select); 7537 bases into the intron after coding-DNA position 82, one base deleted (A; older notation c.82+7537delA).
Molecular consequence: intron variant.
Genome position (GRCh38, 1-based): chr2:85,881,287, T deleted on the plus strand (A on the coding strand, the reverse complement: ST3GAL5 is on the minus strand). VCF-style (leftmost placement, unchanged base first): chr2-85881286-GT-G. GRCh37 (hg19) VCF-style: chr2-86108409-GT-G.
Other names: c.-480+7537del (NM_001354226.2); c.-920+7537del (NM_001354233.2); c.-543+7537del (NM_001354224.2); c.-190+7537del (NM_001354227.2); c.-881+7537del (NM_001354223.2); c.-133-5742del (NM_001354229.2); c.82+7537del (NM_001363847.1); c.-884+7321del (NM_001354234.1); and 1 more.
Identifiers: ClinVar variation 4891173 (VCV004891173.1).
Genomic context (GRCh38, chr2:85,881,286, plus strand): 5'-AATCCAATTAAACCTCTTTCTTGTATAAATTGCCCAGTCTTGGGTATGTCTTTATCAGCA[GT>G]GTGAAAATGGACTAATACAGTAAATTGGTACCAGTAGATGGGGCGTAGCTGAAAAGATAC-3'

ClinVar aggregate classification (germline): Uncertain significance (1 of 4 stars; one submission).

Submission:

Greenwood Genetic Center Diagnostic Laboratories, Greenwood Genetic Center
Classification: Uncertain significance. Last evaluated: 2026-06-23. Review status: criteria provided, single submitter. Criteria: ACMG Guidelines, 2015. Collection method: clinical testing. Allele origin: germline.
Comment: PM2, BP4